The following is an entry in ClinVar:

NM_001845.6(COL4A1):c.4056C>T (p.Tyr1352=)

Gene: COL4A1 (collagen type IV alpha 1 chain; minus strand). Cytogenetic location: 13q34.
Variant type: single nucleotide variant.
Coding change: c.4056C>T on transcript NM_001845.6 (MANE Select); coding-DNA position 4056, C replaced by T.
Protein change: p.Tyr1352=; no amino-acid change (tyrosine 1352 retained).
Molecular consequence: synonymous variant.
Genome position (GRCh38, 1-based): chr13:110,164,956, G>A on the plus strand (C>T on the coding strand, the complement: COL4A1 is on the minus strand). VCF-style: chr13-110164956-G-A. GRCh37 (hg19) VCF-style: chr13-110817303-G-A.
Other names: p.Tyr1352=.
Identifiers: ClinVar variation 197543 (VCV000197543.61), dbSNP rs140210015, ClinGen allele CA202949.

ClinVar aggregate classification (germline): Benign/Likely benign. Review status: criteria provided, multiple submitters, no conflicts (2 of 4 stars). 12 submissions from 11 submitters: Benign (4); Likely benign (5). 3 of the submissions do not count toward it. Last evaluated 2026-09-01.

Conditions:
COL4A1-related disorder. Also called: COL4A1-related condition; COL4A1-related disorders. Identifiers: MedGen CN376119, MONDO:0800461.
Brain small vessel disease 1 with or without ocular anomalies (BSVD1). Also called: BRAIN SMALL VESSEL DISEASE WITH HEMORRHAGE; Brain small vessel disease with or without ocular anomalies; GOULD SYNDROME 1; PORENCEPHALY, TYPE 1, AUTOSOMAL DOMINANT. Identifiers: Orphanet 2940, Orphanet 36383, Orphanet 99810, MedGen C4755307, MONDO:0008289, OMIM 175780.
Autosomal dominant familial hematuria-retinal arteriolar tortuosity-contractures syndrome. Also called: Angiopathy, hereditary, with nephropathy, aneurysms, and muscle cramps; Hereditary Angiopathy with Nephropathy, Aneurysms, and Muscle Cramps (HANAC) Syndrome. Identifiers: Orphanet 73229, MedGen C2673195, MONDO:0012726, OMIM 611773.

Allele frequency attached by ClinVar (database versions not stated): 1000 Genomes Project 0.00060; 1000 Genomes Project 30x 0.00062; gnomAD exomes 0.00183 and 0.00289; gnomAD 0.00186 and 0.00194; ESP Exome Variant Server 0.00200; TOPMed 0.00212; ExAC 0.00235.
gnomAD v4.1: 4,524 of 1,604,612 alleles (0.28%); highest among the groups gnomAD compares: Non-Finnish European, 0.34%; 6 homozygotes.

Submissions (12):

CeGaT Center for Human Genetics Tuebingen
Classification: Likely benign. Last evaluated: 2026-09-01. Review status: criteria provided, single submitter. Criteria: CeGaT Center For Human Genetics Tuebingen Variant Classification Criteria Version 2. Collection method: clinical testing. Allele origin: germline. Affected: yes. Observed: 27 variant alleles.
Comment: COL4A1: BP4, BP7, BS1

Labcorp Genetics (formerly Invitae), Labcorp
Classification: Benign. Last evaluated: 2026-02-01. Review status: criteria provided, single submitter. Criteria: Invitae Variant Classification Sherloc (09022015). Collection method: clinical testing. Allele origin: germline.

ARUP Laboratories, Molecular Genetics and Genomics, ARUP Laboratories
Classification: Benign. Last evaluated: 2025-04-22. Review status: criteria provided, single submitter. Criteria: ARUP Molecular Germline Variant Investigation Process 2024. Collection method: clinical testing. Allele origin: germline.

Mayo Clinic Laboratories, Mayo Clinic
Classification: Likely benign. Last evaluated: 2025-04-14. Review status: criteria provided, single submitter. Criteria: ACMG Guidelines, 2015. Collection method: clinical testing. Allele origin: germline. Observed: 3 variant alleles.
Comment: BS1, BP4, BP7

Blueprint Genetics
Classification: Likely benign. Last evaluated: 2024-11-08. Review status: criteria provided, single submitter. Criteria: ACMG Guidelines, 2015. Collection method: clinical testing. Allele origin: germline.

Illumina Laboratory Services, Illumina
Classification: Benign for Brain small vessel disease 1 with or without ocular anomalies. Last evaluated: 2018-01-13. Review status: criteria provided, single submitter. Criteria: ICSL Variant Classification Criteria 13 December 2019. Collection method: clinical testing. Allele origin: germline.
Comment: This variant was observed in the ICSL laboratory as part of a predisposition screen in an ostensibly healthy population. It had not been previously curated by ICSL or reported in the Human Gene Mutation Database (HGMD: prior to June 1st, 2018), and was therefore a candidate for classification through an automated scoring system. Utilizing variant allele frequency, disease prevalence and penetrance estimates, and inheritance mode, an automated score was calculated to assess if this variant is too frequent to cause the disease. Based on the score and internal cut-off values, a variant classified as benign is not then subjected to further curation. The score for this variant resulted in a classification of benign for this disease.

Illumina Laboratory Services, Illumina
Classification: Benign for Autosomal dominant familial hematuria-retinal arteriolar tortuosity-contractures syndrome. Last evaluated: 2018-01-13. Review status: criteria provided, single submitter. Criteria: ICSL Variant Classification Criteria 13 December 2019. Collection method: clinical testing. Allele origin: germline.
Comment: the same text as in the submission from Illumina Laboratory Services, Illumina above.

Eurofins Ntd Llc (ga)
Classification: Likely benign. Last evaluated: 2015-01-26. Review status: criteria provided, single submitter. Criteria: EGL Classification Definitions 2015. Collection method: clinical testing. Allele origin: germline. Observed: 1 variant allele, 1 heterozygote.

Breakthrough Genomics
Classification: Likely benign. Review status: criteria provided, single submitter. Criteria: ACMG Guidelines, 2015. Collection method: not provided. Allele origin: germline. Inheritance: Autosomal dominant inheritance. Affected: yes.

PreventionGenetics, part of Exact Sciences
Classification: Benign for COL4A1-related condition. Last evaluated: 2022-02-01. Review status: no assertion criteria provided. Collection method: clinical testing. Allele origin: germline. Not counted in ClinVar's aggregate classification.
Comment: This variant is classified as benign based on ACMG/AMP sequence variant interpretation guidelines (Richards et al. 2015 PMID: 25741868, with internal and published modifications).

Clinical Genetics DNA and cytogenetics Diagnostics Lab, Erasmus MC, Erasmus Medical Center
Classification: Likely benign. Review status: no assertion criteria provided. Collection method: clinical testing. Allele origin: germline. Affected: yes. Study: VKGL Data-share Consensus. Not counted in ClinVar's aggregate classification.

Laboratory of Diagnostic Genome Analysis, Leiden University Medical Center (LUMC)
Classification: Likely benign. Review status: no assertion criteria provided. Collection method: clinical testing. Allele origin: germline. Affected: yes. Study: VKGL Data-share Consensus. Not counted in ClinVar's aggregate classification.